The following is an entry in ClinVar:

NM_052867.4(NALCN):c.437G>C (p.Arg146Pro)

Gene: NALCN (sodium leak channel, non-selective; minus strand). Cytogenetic location: 13q33.1.
Variant type: single nucleotide variant.
Coding change: c.437G>C on transcript NM_052867.4 (MANE Select); coding-DNA position 437, G replaced by C.
Protein change: p.Arg146Pro; replaces arginine 146 with proline.
Molecular consequence: missense variant.
Genome position (GRCh38, 1-based): chr13:101,376,995, C>G on the plus strand (G>C on the coding strand, the complement: NALCN is on the minus strand). VCF-style: chr13-101376995-C-G. GRCh37 (hg19) VCF-style: chr13-102029346-C-G.
Other names: c.437G>C, p.Arg146Pro (NM_001350748.2, NM_001350749.2, NM_001350750.2 and 1 more transcripts); short protein forms R146P.
Identifiers: ClinVar variation 5009456 (VCV005009456.1).

ClinVar aggregate classification (germline): Uncertain significance (1 of 4 stars; one submission).

Submission:

GeneDx
Classification: Uncertain significance. Last evaluated: 2026-03-19. Review status: criteria provided, single submitter. Criteria: GeneDx Variant Classification Process June 2021. Collection method: clinical testing. Allele origin: germline.
Comment: Not observed at significant frequency in large population cohorts (gnomAD); In silico analysis supports that this missense variant has a deleterious effect on protein structure/function; Has not been previously published as pathogenic or benign to our knowledge